The following is an entry in ClinVar:

ClinVar aggregate classification (germline): Uncertain significance (1 of 4 stars; one submission).

Conditions:
Emery-Dreifuss muscular dystrophy 4, autosomal dominant (EDMD4). Also called: EMERY-DREIFUSS MUSCULAR DYSTROPHY 4 WITH VARIABLE FEATURES. Identifiers: Orphanet 261, MedGen C2751807, MONDO:0013071, OMIM 612998.
Autosomal recessive ataxia, Beauce type. Also called: SYNE1-Related Autosomal Recessive Cerebellar Ataxia; SYNE1 Deficiency; Spinocerebellar ataxia, autosomal recessive 8; ATAXIA, RECESSIVE, OF BEAUCE. Identifiers: Orphanet 88644, MedGen C1853116, MONDO:0012549, OMIM 610743.

Allele frequency attached by ClinVar (database versions not stated): gnomAD 0.00001.
gnomAD v4.1: 11 of 1,613,956 alleles (0.00068%); highest among the groups gnomAD compares: African/African-American, 0.0013%; no homozygotes.

Submission:

Labcorp Genetics (formerly Invitae), Labcorp
Classification: Uncertain significance for Emery-Dreifuss muscular dystrophy 4, autosomal dominant; Autosomal recessive ataxia, Beauce type. Last evaluated: 2023-10-05. Review status: criteria provided, single submitter. Criteria: Invitae Variant Classification Sherloc (09022015). Collection method: clinical testing. Allele origin: germline.
Comment: This sequence change replaces isoleucine, which is neutral and non-polar, with methionine, which is neutral and non-polar, at codon 2724 of the SYNE1 protein (p.Ile2724Met). This variant is not present in population databases (gnomAD no frequency). This variant has not been reported in the literature in individuals affected with SYNE1-related conditions. An algorithm developed to predict the effect of missense changes on protein structure and function (PolyPhen-2) suggests that this variant is likely to be tolerated. In summary, the available evidence is currently insufficient to determine the role of this variant in disease. Therefore, it has been classified as a Variant of Uncertain Significance.

NM_182961.4(SYNE1):c.8151C>G (p.Ile2717Met)

Gene: SYNE1 (spectrin repeat containing nuclear envelope protein 1; minus strand). Cytogenetic location: 6q25.2.
Variant type: single nucleotide variant.
Coding change: c.8151C>G on transcript NM_182961.4 (MANE Select); coding-DNA position 8151, C replaced by G.
Protein change: p.Ile2717Met; replaces isoleucine 2717 with methionine.
Molecular consequence: missense variant.
Genome position (GRCh38, 1-based): chr6:152,390,306, G>C on the plus strand (C>G on the coding strand, the complement: SYNE1 is on the minus strand). VCF-style: chr6-152390306-G-C. GRCh37 (hg19) VCF-style: chr6-152711441-G-C.
Other names: c.8172C>G, p.Ile2724Met (NM_033071.5); short protein forms I2717M, I2724M.
Identifiers: ClinVar variation 2929916 (VCV002929916.3), dbSNP rs2097588882, ClinGen allele CA366105268.
Genomic context (GRCh38, chr6:152,390,306, plus strand): 5'-GGACTTAAACAAACTCTAAAAATAGGTTCTGTACCTTTGAGCGTGGACGGAGGAGCTCAT[G>C]ATGTCAGCCCACACTTCTTTAAGGGTCTCTAACTGAGTCTGAATCACCCTCTGACCTTCT-3'
Protein context (NP_892006.3, residues 2707-2727): LETLKEVWAD[Ile2717Met]MSSSVHAQST